The following is an entry in ClinVar:

NM_001035.3(RYR2):c.7965+10_7965+11delinsAT

Gene: RYR2 (ryanodine receptor 2; plus strand). Cytogenetic location: 1q43.
Variant type: Indel.
Coding change: c.7965+10_7965+11delinsAT on transcript NM_001035.3 (MANE Select); bases 10 to 11 of the intron after coding-DNA position 7965, TG replaced by AT.
Molecular consequence: intron variant.
Genome position (GRCh38, 1-based): chr1:237,654,424-237,654,425, TG replaced by AT. VCF-style: chr1-237654424-TG-AT. GRCh37 (hg19) VCF-style: chr1-237817724-TG-AT.
Other names: c.7965+10_7965+11delinsAT (LRG_402t1).
Identifiers: ClinVar variation 422672 (VCV000422672.1), dbSNP rs1064795928, ClinGen allele CA16617105.

ClinVar aggregate classification (germline): Likely benign (1 of 4 stars; one submission).

Submission:

GeneDx
Classification: Likely benign. Last evaluated: 2016-11-07. Review status: criteria provided, single submitter. Criteria: GeneDx Variant Classification (06012015). Collection method: clinical testing. Allele origin: germline. Affected: yes.
Comment: This variant is considered likely benign or benign based on one or more of the following criteria: it is a conservative change, it occurs at a poorly conserved position in the protein, it is predicted to be benign by multiple in silico algorithms, and/or has population frequency not consistent with disease.